The following is an entry in ClinVar:

ClinVar aggregate classification (germline): Uncertain significance (1 of 4 stars; one submission).

Allele frequency attached by ClinVar (database versions not stated): gnomAD exomes below 0.00001; TOPMed below 0.00001.
gnomAD v4.1: 1 of 1,596,284 alleles (0.000063%); highest among the groups gnomAD compares: Non-Finnish European, 0.000085%; no homozygotes.

Submission:

CeGaT Center for Human Genetics Tuebingen
Classification: Uncertain significance. Last evaluated: 2024-05-01. Review status: criteria provided, single submitter. Criteria: CeGaT Center For Human Genetics Tuebingen Variant Classification Criteria Version 2. Collection method: clinical testing. Allele origin: germline. Affected: yes. Observed: 1 variant allele.
Comment: TTN: PM2, BP4

NM_001267550.2(TTN):c.11311+1218G>C

Gene: TTN (titin; minus strand). Cytogenetic location: 2q31.2.
Variant type: single nucleotide variant.
Coding change: c.11311+1218G>C on transcript NM_001267550.2 (MANE Select); 1218 bases into the intron after coding-DNA position 11311, G replaced by C.
Molecular consequence: intron variant. On other transcripts: missense variant (1).
Genome position (GRCh38, 1-based): chr2:178,751,906, C>G on the plus strand (G>C on the coding strand, the complement: TTN is on the minus strand). VCF-style: chr2-178751906-C-G. GRCh37 (hg19) VCF-style: chr2-179616633-C-G.
Other names: c.10494G>C, p.Trp3498Cys (NM_133379.5); c.10222+1218G>C (NM_003319.4); c.10798+1218G>C (NM_133437.4); c.10597+1218G>C (NM_133432.3); c.10360+1218G>C (NM_133378.4, NM_001256850.1); short protein forms W3498C.
Identifiers: ClinVar variation 3239556 (VCV003239556.19), dbSNP rs2085639804.